The following is an entry in ClinVar:

ClinVar aggregate classification (germline): Conflicting classifications of pathogenicity. Review status: criteria provided, conflicting classifications (1 of 4 stars). 11 submissions from 9 submitters: Uncertain significance (8); Likely benign (2). 1 of the submissions does not count toward it. Last evaluated 2026-08-04.

Conditions:
Meckel syndrome, type 5 (MKS5). Identifiers: Orphanet 564, MedGen C1969052, MONDO:0012695, OMIM 611561.
Joubert syndrome 7 (JBTS7). Identifiers: Orphanet 220497, MedGen C1969053, MONDO:0012694, OMIM 611560.
COACH syndrome 3. Identifiers: MedGen C5436841, MONDO:0030862, OMIM 619113.
RPGRIP1L-related disorder. Also called: RPGRIP1L-related condition; RPGRIP1L-related disorders. Identifiers: MedGen CN239416.
Inborn genetic diseases. Identifiers: MedGen C0950123, MeSH D030342.
Nephronophthisis 8. Identifiers: MedGen CN119610.
Joubert syndrome. Also called: JOUBERT-BOLTSHAUSER SYNDROME; Familial aplasia of the vermis. Identifiers: Orphanet 475, MedGen C5979921, MONDO:0018772.
Meckel-Gruber syndrome. Also called: DYSENCEPHALIA SPLANCHNOCYSTICA; GRUBER SYNDROME; Dysencephalia splachnocystica. Identifiers: Orphanet 564, MedGen C0265215, MONDO:0018921.

Allele frequency attached by ClinVar (database versions not stated): TOPMed 0.00003; gnomAD exomes 0.00004 and 0.00014; gnomAD 0.00005 and 0.00008; ExAC 0.00013; 1000 Genomes Project 0.00060; 1000 Genomes Project 30x 0.00062.
gnomAD v4.1: 81 of 1,613,154 alleles (0.005%); highest among the groups gnomAD compares: East Asian, 0.071%; no homozygotes.

Submissions (11):

PreventionGenetics, part of Exact Sciences
Classification: Uncertain significance for RPGRIP1L-related condition. Last evaluated: 2026-08-04. Review status: criteria provided, single submitter. Criteria: ACMG Guidelines, 2015. Collection method: clinical testing. Allele origin: germline.
Comment: The RPGRIP1L c.910G>A variant is predicted to result in the amino acid substitution p.Asp304Asn. This variant has been reported in an individual with generalized epilepsy (Table 3 in Ma et al. 2019. PubMed ID: 31832524). This variant is reported in 0.15% of alleles in individuals of East Asian descent in gnomAD. Although we suspect this variant may be benign, at this time its clinical significance is uncertain due to the absence of conclusive functional and genetic evidence.

Ambry Genetics
Classification: Likely benign for Inborn genetic diseases. Last evaluated: 2025-05-02. Review status: criteria provided, single submitter. Criteria: Ambry Variant Classification Scheme 2023. Collection method: clinical testing. Allele origin: germline.

Blueprint Genetics
Classification: Likely benign. Last evaluated: 2024-11-04. Review status: criteria provided, single submitter. Criteria: ACMG Guidelines, 2015. Collection method: clinical testing. Allele origin: germline.

Labcorp Genetics (formerly Invitae), Labcorp
Classification: Uncertain significance for Joubert syndrome; Meckel-Gruber syndrome. Last evaluated: 2024-10-23. Review status: criteria provided, single submitter. Criteria: Invitae Variant Classification Sherloc (09022015). Collection method: clinical testing. Allele origin: germline.
Comment: This sequence change replaces aspartic acid, which is acidic and polar, with asparagine, which is neutral and polar, at codon 304 of the RPGRIP1L protein (p.Asp304Asn). This variant is present in population databases (rs530772984, gnomAD 0.1%). This variant has not been reported in the literature in individuals affected with RPGRIP1L-related conditions. ClinVar contains an entry for this variant (Variation ID: 284856). Invitae Evidence Modeling of protein sequence and biophysical properties (such as structural, functional, and spatial information, amino acid conservation, physicochemical variation, residue mobility, and thermodynamic stability) indicates that this missense variant is not expected to disrupt RPGRIP1L protein function with a negative predictive value of 80%. In summary, the available evidence is currently insufficient to determine the role of this variant in disease. Therefore, it has been classified as a Variant of Uncertain Significance.

Fulgent Genetics
Classification: Uncertain significance for Joubert syndrome 7; Meckel syndrome, type 5; COACH syndrome 3. Last evaluated: 2024-04-22. Review status: criteria provided, single submitter. Criteria: ACMG Guidelines, 2015. Collection method: clinical testing. Allele origin: germline.

Revvity Omics, Revvity
Classification: Uncertain significance. Last evaluated: 2021-03-30. Review status: criteria provided, single submitter. Criteria: ACMG Guidelines, 2015. Collection method: clinical testing. Allele origin: germline.

Illumina Laboratory Services, Illumina
Classification: Uncertain significance for Nephronophthisis 8. Last evaluated: 2018-01-13. Review status: criteria provided, single submitter. Criteria: ICSL Variant Classification Criteria 13 December 2019. Collection method: clinical testing. Allele origin: germline.

Illumina Laboratory Services, Illumina
Classification: Uncertain significance for Joubert syndrome 7. Last evaluated: 2018-01-13. Review status: criteria provided, single submitter. Criteria: ICSL Variant Classification Criteria 13 December 2019. Collection method: clinical testing. Allele origin: germline.

Illumina Laboratory Services, Illumina
Classification: Uncertain significance for Meckel syndrome, type 5. Last evaluated: 2018-01-13. Review status: criteria provided, single submitter. Criteria: ICSL Variant Classification Criteria 13 December 2019. Collection method: clinical testing. Allele origin: germline.

Eurofins Ntd Llc (ga)
Classification: Uncertain significance. Last evaluated: 2015-12-08. Review status: criteria provided, single submitter. Criteria: EGL Classification Definitions 2015. Collection method: clinical testing. Allele origin: germline. Observed: 1 variant allele, 1 heterozygote.

Natera, Inc.
Classification: Uncertain significance for Joubert syndrome. Last evaluated: 2020-09-29. Review status: no assertion criteria provided. Collection method: clinical testing. Allele origin: germline. Not counted in ClinVar's aggregate classification.

NM_015272.5(RPGRIP1L):c.910G>A (p.Asp304Asn)

Gene: RPGRIP1L (RPGRIP1 like; minus strand). Cytogenetic location: 16q12.2.
Variant type: single nucleotide variant.
Coding change: c.910G>A on transcript NM_015272.5 (MANE Select); coding-DNA position 910, G replaced by A.
Protein change: p.Asp304Asn; replaces aspartic acid 304 with asparagine.
Molecular consequence: missense variant.
Genome position (GRCh38, 1-based): chr16:53,672,989, C>T on the plus strand (G>A on the coding strand, the complement: RPGRIP1L is on the minus strand). VCF-style: chr16-53672989-C-T. GRCh37 (hg19) VCF-style: chr16-53706901-C-T.
Other names: c.910G>A, p.Asp304Asn (NM_001127897.4, NM_001308334.3, NM_001330538.2); c.910G>A (NM_015272.4); short protein forms D304N.
Identifiers: ClinVar variation 284856 (VCV000284856.24), dbSNP rs530772984, ClinGen allele CA8057978.